The following is an entry in ClinVar:

ClinVar aggregate classification (germline): Uncertain significance. Review status: criteria provided, multiple submitters, no conflicts (2 of 4 stars). 2 submissions from 2 submitters: Uncertain significance (2). Last evaluated 2025-07-04.

Conditions:
Hereditary cancer-predisposing syndrome. Also called: Hereditary Cancer Syndrome; Hereditary neoplastic syndrome; Neoplastic Syndromes, Hereditary; Tumor predisposition. Identifiers: Orphanet 140162, MedGen C0027672, MeSH D009386, MONDO:0015356.
Cardiovascular phenotype. Identifiers: MedGen CN230736.
Neurofibromatosis, type 1 (NF1). Also called: NEUROFIBROMATOSIS, TYPE I, SOMATIC; Neurofibromatosis, type I; Peripheral type neurofibromatosis; VON RECKLINGHAUSEN DISEASE. Identifiers: Orphanet 636, MedGen C0027831, MONDO:0018975, OMIM 162200. Disease mechanism: loss of function.

Submissions (2):

Labcorp Genetics (formerly Invitae), Labcorp
Classification: Uncertain significance for Neurofibromatosis, type 1. Last evaluated: 2025-07-04. Review status: criteria provided, single submitter. Criteria: Invitae Variant Classification Sherloc (09022015). Collection method: clinical testing. Allele origin: germline.
Comment: This sequence change replaces isoleucine, which is neutral and non-polar, with threonine, which is neutral and polar, at codon 1497 of the NF1 protein (p.Ile1497Thr). This variant is not present in population databases (gnomAD no frequency). This variant has not been reported in the literature in individuals affected with NF1-related conditions. ClinVar contains an entry for this variant (Variation ID: 3404931). Invitae Evidence Modeling of protein sequence and biophysical properties (such as structural, functional, and spatial information, amino acid conservation, physicochemical variation, residue mobility, and thermodynamic stability) indicates that this missense variant is expected to disrupt NF1 protein function with a positive predictive value of 95%. In summary, the available evidence is currently insufficient to determine the role of this variant in disease. Therefore, it has been classified as a Variant of Uncertain Significance.

Ambry Genetics
Classification: Uncertain significance for Cardiovascular phenotype; Hereditary cancer-predisposing syndrome. Last evaluated: 2025-02-14. Review status: criteria provided, single submitter. Criteria: Ambry Variant Classification Scheme 2023. Collection method: clinical testing. Allele origin: germline.
Comment: The c.4490T>C (p.I1497T) alteration is located in exon 33 (coding exon 33) of the NF1 gene. This alteration results from a T to C substitution at nucleotide position 4490, causing the isoleucine (I) at amino acid position 1497 to be replaced by a threonine (T). This variant was not reported in population-based cohorts in the Genome Aggregation Database (gnomAD). This amino acid position is highly conserved in available vertebrate species. This alteration is predicted to be deleterious by in silico analysis. Based on insufficient or conflicting evidence, the clinical significance of this alteration remains unclear.

NM_001042492.3(NF1):c.4553T>C (p.Ile1518Thr)

Gene: NF1 (neurofibromin 1; plus strand). Cytogenetic location: 17q11.2.
Variant type: single nucleotide variant.
Coding change: c.4553T>C on transcript NM_001042492.3 (MANE Select); coding-DNA position 4553, T replaced by C.
Protein change: p.Ile1518Thr; replaces isoleucine 1518 with threonine.
Molecular consequence: missense variant.
Genome position (GRCh38, 1-based): chr17:31,260,491, T>C. VCF-style: chr17-31260491-T-C. GRCh37 (hg19) VCF-style: chr17-29587509-T-C.
Other names: c.4490T>C, p.Ile1497Thr (NM_000267.4); short protein forms I1497T, I1518T.
Identifiers: ClinVar variation 3404931 (VCV003404931.4).